The following is an entry in ClinVar:

NM_001253697.2(ERBIN):c.2876G>C (p.Arg959Thr)

Gene: ERBIN (erbb2 interacting protein; plus strand). Cytogenetic location: 5q12.3.
Variant type: single nucleotide variant.
Coding change: c.2876G>C on transcript NM_001253697.2 (MANE Select); coding-DNA position 2876, G replaced by C.
Protein change: p.Arg959Thr; replaces arginine 959 with threonine.
Molecular consequence: missense variant.
Genome position (GRCh38, 1-based): chr5:66,054,194, G>C. VCF-style: chr5-66054194-G-C. GRCh37 (hg19) VCF-style: chr5-65350022-G-C.
Other names: c.2876G>C, p.Arg959Thr (NM_001253699.2, NM_018695.4, NM_001006600.3 and 1 more transcripts); c.2864G>C, p.Arg955Thr (NM_001253701.2); short protein forms R955T, R959T.
Identifiers: ClinVar variation 4773658 (VCV004773658.1).

ClinVar aggregate classification (germline): Uncertain significance (1 of 4 stars; one submission).

gnomAD v4.1: 5 of 1,613,900 alleles (0.00031%); highest among the groups gnomAD compares: Non-Finnish European, 0.00042%; no homozygotes.

Submission:

Labcorp Genetics (formerly Invitae), Labcorp
Classification: Uncertain significance. Last evaluated: 2025-06-15. Review status: criteria provided, single submitter. Criteria: Invitae Variant Classification Sherloc (09022015). Collection method: clinical testing. Allele origin: germline.
Comment: This sequence change replaces arginine, which is basic and polar, with threonine, which is neutral and polar, at codon 959 of the ERBIN protein (p.Arg959Thr). This variant is present in population databases (no rsID available, gnomAD 0.007%). This variant has not been reported in the literature in individuals affected with ERBIN-related conditions. An algorithm developed to predict the effect of missense changes on protein structure and function (PolyPhen-2) suggests that this variant is likely to be disruptive. In summary, the available evidence is currently insufficient to determine the role of this variant in disease. Therefore, it has been classified as a Variant of Uncertain Significance.